The following is an entry in ClinVar:

NM_001298.3(CNGA3):c.248G>A (p.Trp83Ter)

Gene: CNGA3 (cyclic nucleotide gated channel subunit alpha 3; plus strand). Cytogenetic location: 2q11.2.
Variant type: single nucleotide variant.
Coding change: c.248G>A on transcript NM_001298.3 (MANE Select); coding-DNA position 248, G replaced by A.
Protein change: p.Trp83Ter; replaces tryptophan 83 with a stop codon.
Molecular consequence: nonsense.
Genome position (GRCh38, 1-based): chr2:98,380,207, G>A. VCF-style: chr2-98380207-G-A. GRCh37 (hg19) VCF-style: chr2-98996670-G-A.
Other names: c.248G>A, p.Trp83Ter (NM_001079878.2); short protein forms W83*.
Identifiers: ClinVar variation 236461 (VCV000236461.12), dbSNP rs757470958, ClinGen allele CA1793679.

ClinVar aggregate classification (germline): Pathogenic/Likely pathogenic. Review status: criteria provided, multiple submitters, no conflicts (2 of 4 stars). 5 submissions from 5 submitters: Pathogenic (3); Likely pathogenic (1). 1 of the submissions does not count toward it. Last evaluated 2024-05-30.

Conditions:
CNGA3-related disorders.
Retinal dystrophy. Also called: Inherited retinal dystrophy. Identifiers: Orphanet 71862, MedGen C0854723, MeSH D058499, MONDO:0019118, HP:0000556.
Achromatopsia 2 (ACHM2). Also called: ROD MONOCHROMACY 2; ROD MONOCHROMATISM 2; COLORBLINDNESS, TOTAL. Identifiers: Orphanet 49382, MedGen C1857618, MONDO:0009003, OMIM 216900.

Allele frequency attached by ClinVar (database versions not stated): gnomAD exomes below 0.00001; TOPMed below 0.00001; ExAC 0.00001; gnomAD 0.00001.
gnomAD v4.1: 2 of 1,614,096 alleles (0.00012%); highest among the groups gnomAD compares: African/African-American, 0.0027%; no homozygotes.

Submissions (5):

Fulgent Genetics
Classification: Pathogenic for Achromatopsia 2. Last evaluated: 2024-05-30. Review status: criteria provided, single submitter. Criteria: ACMG Guidelines, 2015. Collection method: clinical testing. Allele origin: germline.

Labcorp Genetics (formerly Invitae), Labcorp
Classification: Pathogenic. Last evaluated: 2023-06-03. Review status: criteria provided, single submitter. Criteria: Invitae Variant Classification Sherloc (09022015). Collection method: clinical testing. Allele origin: germline.
Comment: This variant is present in population databases (rs757470958, gnomAD 0.007%). For these reasons, this variant has been classified as Pathogenic. ClinVar contains an entry for this variant (Variation ID: 236461). This premature translational stop signal has been observed in individual(s) with clinical features of retinitis pigmentosa (PMID: 27208204). This sequence change creates a premature translational stop signal (p.Trp83*) in the CNGA3 gene. It is expected to result in an absent or disrupted protein product. Loss-of-function variants in CNGA3 are known to be pathogenic (PMID: 14757870, 24903488, 25637600).

Blueprint Genetics
Classification: Likely pathogenic for CNGA3-related disorders. Last evaluated: 2022-09-06. Review status: criteria provided, single submitter. Criteria: ACMG Guidelines, 2015. Collection method: clinical testing. Allele origin: germline. Affected: yes. Observed: 1 variant allele.

GeneDx
Classification: Pathogenic. Last evaluated: 2022-07-30. Review status: criteria provided, single submitter. Criteria: GeneDx Variant Classification Process June 2021. Collection method: clinical testing. Allele origin: germline. Affected: yes.
Comment: Identified in a patient with retinal dystrophy in the published literature (Ellingford et al., 2016); Nonsense variant predicted to result in protein truncation or nonsense mediated decay in a gene for which loss of function is a known mechanism of disease; Not observed at significant frequency in large population cohorts (gnomAD); This variant is associated with the following publications: (PMID: 30711023, 27208204)

Centre for Genomic Medicine, Manchester, Central Manchester University Hospitals
Classification: Likely pathogenic for Retinal dystrophy. Review status: no assertion criteria provided. Collection method: clinical testing. Allele origin: germline. Affected: yes. Not counted in ClinVar's aggregate classification.

Literature cited by the submitters: PubMed 27208204 (cited by Labcorp Genetics (formerly Invitae), Labcorp); PubMed 14757870 (cited by Labcorp Genetics (formerly Invitae), Labcorp); PubMed 24903488 (cited by Labcorp Genetics (formerly Invitae), Labcorp); PubMed 25637600 (cited by Labcorp Genetics (formerly Invitae), Labcorp).